The following is an entry in ClinVar:

NM_003705.5(SLC25A12):c.941G>T (p.Gly314Val)

Gene: SLC25A12 (solute carrier family 25 member 12; minus strand). Cytogenetic location: 2q31.1.
Variant type: single nucleotide variant.
Coding change: c.941G>T on transcript NM_003705.5 (MANE Select); coding-DNA position 941, G replaced by T.
Protein change: p.Gly314Val; replaces glycine 314 with valine.
Molecular consequence: missense variant. On other transcripts: non-coding transcript variant (1).
Genome position (GRCh38, 1-based): chr2:171,815,192, C>A on the plus strand (G>T on the coding strand, the complement: SLC25A12 is on the minus strand). VCF-style: chr2-171815192-C-A. GRCh37 (hg19) VCF-style: chr2-172671702-C-A.
Other names: short protein forms G314V.
Identifiers: ClinVar variation 1910287 (VCV001910287.5), dbSNP rs760151618, ClinGen allele CA1966252.

ClinVar aggregate classification (germline): Uncertain significance (1 of 4 stars; one submission).

Allele frequency attached by ClinVar (database versions not stated): gnomAD 0.00001; gnomAD exomes 0.00001; ExAC 0.00002.
gnomAD v4.1: 9 of 1,613,222 alleles (0.00056%); highest among the groups gnomAD compares: Middle Eastern, 0.017%; no homozygotes.

Submission:

Labcorp Genetics (formerly Invitae), Labcorp
Classification: Uncertain significance. Last evaluated: 2022-03-24. Review status: criteria provided, single submitter. Criteria: Invitae Variant Classification Sherloc (09022015). Collection method: clinical testing. Allele origin: germline.
Comment: In summary, the available evidence is currently insufficient to determine the role of this variant in disease. Therefore, it has been classified as a Variant of Uncertain Significance. Algorithms developed to predict the effect of missense changes on protein structure and function (SIFT, PolyPhen-2, Align-GVGD) all suggest that this variant is likely to be tolerated. This variant has not been reported in the literature in individuals affected with SLC25A12-related conditions. This variant is present in population databases (rs760151618, gnomAD 0.003%). This sequence change replaces glycine, which is neutral and non-polar, with valine, which is neutral and non-polar, at codon 314 of the SLC25A12 protein (p.Gly314Val).